The following is an entry in ClinVar:

NM_001267550.2(TTN):c.73637A>T (p.Asp24546Val)

Genes: TTN (titin; minus strand), TTN-AS1 (TTN antisense RNA 1; plus strand). Cytogenetic location: 2q31.2.
Variant type: single nucleotide variant.
Coding change: c.73637A>T on transcript NM_001267550.2 (MANE Select); coding-DNA position 73637, A replaced by T.
Protein change: p.Asp24546Val; replaces aspartic acid 24546 with valine.
Molecular consequence: missense variant.
Genome position (GRCh38, 1-based): chr2:178,572,495, T>A on the plus strand (A>T on the coding strand, the complement: TTN is on the minus strand). VCF-style: chr2-178572495-T-A. GRCh37 (hg19) VCF-style: chr2-179437222-T-A.
Other names: c.68714A>T, p.Asp22905Val (NM_001256850.1); c.46442A>T, p.Asp15481Val (NM_003319.4); c.65933A>T, p.Asp21978Val (NM_133378.4); c.46817A>T, p.Asp15606Val (NM_133432.3); c.47018A>T, p.Asp15673Val (NM_133437.4); short protein forms D21978V, D24546V, D15673V, D15481V, D15606V, D22905V.
Identifiers: ClinVar variation 263616 (VCV000263616.7), dbSNP rs769744030, ClinGen allele CA1990341.

ClinVar aggregate classification (germline): Uncertain significance. Review status: criteria provided, multiple submitters, no conflicts (2 of 4 stars). 2 submissions from 2 submitters: Uncertain significance (2). Last evaluated 2018-06-12.

Conditions:
Cardiovascular phenotype. Identifiers: MedGen CN230736.

Allele frequency attached by ClinVar (database versions not stated): gnomAD exomes 0.00001 and 0.00002; ExAC 0.00002; TOPMed 0.00002; gnomAD 0.00003.
gnomAD v4.1: 23 of 1,613,162 alleles (0.0014%); highest among the groups gnomAD compares: Admixed American, 0.0067%; no homozygotes.

Submissions (2):

Eurofins Ntd Llc (ga)
Classification: Uncertain significance. Last evaluated: 2018-06-12. Review status: criteria provided, single submitter. Criteria: EGL ClinVar v180209 classification definitions. Collection method: clinical testing. Allele origin: germline. Observed: 2 variant alleles, 2 heterozygotes.

Ambry Genetics
Classification: Uncertain significance for Cardiovascular phenotype. Last evaluated: 2013-05-22. Review status: criteria provided, single submitter. Criteria: Ambry Autosomal Dominant and X-Linked criteria (10/2015). Collection method: clinical testing. Allele origin: germline. Observed: 1 variant allele.
Comment: There is insufficient or conflicting evidence for classification of this alteration.